The following is an entry in ClinVar:

NM_022124.6(CDH23):c.1449+1G>T

Gene: CDH23 (cadherin related 23; plus strand). Cytogenetic location: 10q22.1.
Variant type: single nucleotide variant.
Coding change: c.1449+1G>T on transcript NM_022124.6 (MANE Select); the canonical splice donor site of the intron after coding-DNA position 1449, G replaced by T.
Molecular consequence: splice donor variant. On other transcripts: missense variant (1).
Genome position (GRCh38, 1-based): chr10:71,646,618, G>T. VCF-style: chr10-71646618-G-T. GRCh37 (hg19) VCF-style: chr10-73406375-G-T.
Other names: c.1450G>T, p.Val484Leu (NM_052836.4); c.1449+1G>T (NM_001171930.2, NM_001171931.2); short protein forms V484L.
Identifiers: ClinVar variation 228327 (VCV000228327.5), dbSNP rs876657680, ClinGen allele CA10576806.

ClinVar aggregate classification (germline): Pathogenic/Likely pathogenic. Review status: criteria provided, multiple submitters, no conflicts (2 of 4 stars). 2 submissions from 2 submitters: Pathogenic (1); Likely pathogenic (1). Last evaluated 2026-02-02.

Conditions:
Usher syndrome. Also called: Usher's syndrome; Usher Syndromes. Identifiers: Orphanet 886, MedGen CN469326, MeSH D052245, MONDO:0019501. Disease mechanism: loss of function.
Rare genetic deafness. Identifiers: Orphanet 96210, MedGen C5680250.

Submissions (2):

Women's Health and Genetics/Laboratory Corporation of America, LabCorp
Classification: Likely pathogenic for Usher syndrome. Last evaluated: 2026-02-02. Review status: criteria provided, single submitter. Criteria: LabCorp Variant Classification Summary - May 2015. Collection method: clinical testing. Allele origin: germline.
Comment: Variant summary: CDH23 c.1449+1G>T is located in a canonical splice-site and is predicted to affect mRNA splicing resulting in a significantly altered protein due to either exon skipping, shortening, or inclusion of intronic material. Variants that disrupt the consensus splice site are a relatively common cause of aberrant splicing and loss of CDH23 function. Several computational tools predict a significant impact on normal splicing: Four predict the variant abolishes a 5' splicing donor site and one predicts the variant has no significant impact on splicing. However, these predictions have yet to be confirmed by functional studies. The variant was absent in 249206 control chromosomes. To our knowledge, no occurrence of c.1449+1G>T in individuals affected with CDH23-related conditions and no experimental evidence demonstrating its impact on protein function have been reported. ClinVar contains an entry for this variant (Variation ID: 228327). Based on the evidence outlined above, the variant was classified as likely pathogenic.

Laboratory for Molecular Medicine, Mass General Brigham Personalized Medicine
Classification: Pathogenic for Rare genetic deafness. Last evaluated: 2016-01-28. Review status: criteria provided, single submitter. Criteria: LMM Criteria. Collection method: clinical testing. Allele origin: germline. Observed: 1 variant allele.
Comment: The c.1449+1G>T variant in CDH23 has not been previously identified in individua ls with hearing loss or Usher syndrome and is absent from large population studi es. This variant occurs in the invariant region (+/- 1,2) of the splice consens us sequence and is predicted to cause altered splicing leading to an abnormal or absent protein. Loss of function of the CDH23 gene is an established disease m echanism in autosomal recessive Usher syndrome type 1. In summary, this variant meets our criteria to be classified as pathogenic for Usher syndrome in an autos omal recessive manner based on the predicted impact of the variant.

Literature cited by the submitters: PubMed 16963483 (cited by Laboratory for Molecular Medicine, Mass General Brigham Personalized Medicine).